The following is an entry in ClinVar:

ClinVar aggregate classification (germline): Uncertain significance (1 of 4 stars; one submission).

Submission:

GeneDx
Classification: Uncertain significance. Last evaluated: 2024-07-15. Review status: criteria provided, single submitter. Criteria: GeneDx Variant Classification Process June 2021. Collection method: clinical testing. Allele origin: germline. Affected: yes.
Comment: Not observed at significant frequency in large population cohorts (gnomAD); In silico analysis supports that this missense variant has a deleterious effect on protein structure/function; Has not been previously published as pathogenic or benign to our knowledge

NM_021956.5(GRIK2):c.539C>T (p.Thr180Ile)

Gene: GRIK2 (glutamate ionotropic receptor kainate type subunit 2; plus strand). Cytogenetic location: 6q16.3.
Variant type: single nucleotide variant.
Coding change: c.539C>T on transcript NM_021956.5 (MANE Select); coding-DNA position 539, C replaced by T.
Protein change: p.Thr180Ile; replaces threonine 180 with isoleucine.
Molecular consequence: missense variant.
Genome position (GRCh38, 1-based): chr6:101,626,635, C>T. VCF-style: chr6-101626635-C-T. GRCh37 (hg19) VCF-style: chr6-102074510-C-T.
Other names: c.539C>T, p.Thr180Ile (NM_001166247.1, NM_175768.3); short protein forms T180I.
Identifiers: ClinVar variation 3573825 (VCV003573825.1).